The following is an entry in ClinVar:

NM_000214.3(JAG1):c.2682G>A (p.Lys894=)

Gene: JAG1 (jagged canonical Notch ligand 1; minus strand). Cytogenetic location: 20p12.2.
Variant type: single nucleotide variant.
Coding change: c.2682G>A on transcript NM_000214.3 (MANE Select); coding-DNA position 2682, G replaced by A.
Protein change: p.Lys894=; no amino-acid change (lysine 894 retained).
Molecular consequence: synonymous variant.
Genome position (GRCh38, 1-based): chr20:10,641,783, C>T on the plus strand (G>A on the coding strand, the complement: JAG1 is on the minus strand). VCF-style: chr20-10641783-C-T. GRCh37 (hg19) VCF-style: chr20-10622431-C-T.
Identifiers: ClinVar variation 3371704 (VCV003371704.1).

ClinVar aggregate classification (germline): Uncertain significance (1 of 4 stars; one submission).

gnomAD v4.1: 1 of 1,613,280 alleles (0.000062%); highest among the groups gnomAD compares: African/African-American, 0.0013%; no homozygotes.

Submission:

GeneDx
Classification: Uncertain significance. Last evaluated: 2024-03-27. Review status: criteria provided, single submitter. Criteria: GeneDx Variant Classification Process June 2021. Collection method: clinical testing. Allele origin: germline. Affected: yes.
Comment: Not observed at significant frequency in large population cohorts (gnomAD); In silico analysis supports that this variant does not alter splicing; Has not been previously published as pathogenic or benign to our knowledge